The following is an entry in ClinVar:

ClinVar aggregate classification (germline): Conflicting classifications of pathogenicity. Review status: criteria provided, conflicting classifications (1 of 4 stars). 4 submissions from 4 submitters: Uncertain significance (1); Likely benign (3). Last evaluated 2025-11-02.

Conditions:
Inborn genetic diseases. Identifiers: MedGen C0950123, MeSH D030342.
KBG syndrome (KBGS). Also called: ANKRD11-Related KBG Syndrome. Identifiers: Orphanet 2332, MedGen C0220687, MONDO:0007846, OMIM 148050.

Allele frequency attached by ClinVar (database versions not stated): ESP Exome Variant Server 0.00008.
gnomAD v4.1: 100 of 1,614,080 alleles (0.0062%); highest among the groups gnomAD compares: Non-Finnish European, 0.0079%; no homozygotes.

Submissions (4):

Labcorp Genetics (formerly Invitae), Labcorp
Classification: Uncertain significance for KBG syndrome. Last evaluated: 2025-11-02. Review status: criteria provided, single submitter. Criteria: Invitae Variant Classification Sherloc (09022015). Collection method: clinical testing. Allele origin: germline.
Comment: This sequence change replaces glycine, which is neutral and non-polar, with serine, which is neutral and polar, at codon 1390 of the ANKRD11 protein (p.Gly1390Ser). This variant is present in population databases (rs201207422, gnomAD 0.004%). This variant has not been reported in the literature in individuals affected with ANKRD11-related conditions. ClinVar contains an entry for this variant (Variation ID: 1194125). Invitae Evidence Modeling of protein sequence and biophysical properties (such as structural, functional, and spatial information, amino acid conservation, physicochemical variation, residue mobility, and thermodynamic stability) indicates that this missense variant is not expected to disrupt ANKRD11 protein function with a negative predictive value of 95%. In summary, the available evidence is currently insufficient to determine the role of this variant in disease. Therefore, it has been classified as a Variant of Uncertain Significance.

Blueprint Genetics
Classification: Likely benign. Last evaluated: 2024-06-19. Review status: criteria provided, single submitter. Criteria: ACMG Guidelines, 2015. Collection method: clinical testing. Allele origin: germline.

Ambry Genetics
Classification: Likely benign for Inborn genetic diseases. Last evaluated: 2023-06-30. Review status: criteria provided, single submitter. Criteria: Ambry Variant Classification Scheme 2023. Collection method: clinical testing. Allele origin: germline.

GeneDx
Classification: Likely benign. Last evaluated: 2021-04-17. Review status: criteria provided, single submitter. Criteria: GeneDx Variant Classification Process June 2021. Collection method: clinical testing. Allele origin: germline. Affected: yes.

NM_013275.6(ANKRD11):c.4168G>A (p.Gly1390Ser)

Gene: ANKRD11 (ankyrin repeat domain 11; minus strand). Cytogenetic location: 16q24.3.
Variant type: single nucleotide variant.
Coding change: c.4168G>A on transcript NM_013275.6 (MANE Select); coding-DNA position 4168, G replaced by A.
Protein change: p.Gly1390Ser; replaces glycine 1390 with serine.
Molecular consequence: missense variant.
Genome position (GRCh38, 1-based): chr16:89,282,374, C>T on the plus strand (G>A on the coding strand, the complement: ANKRD11 is on the minus strand). VCF-style: chr16-89282374-C-T. GRCh37 (hg19) VCF-style: chr16-89348782-C-T.
Other names: c.4168G>A (NM_013275.4); c.4168G>A, p.Gly1390Ser (NM_001256182.2, NM_001256183.2); short protein forms G1390S.
Identifiers: ClinVar variation 1194125 (VCV001194125.6), dbSNP rs201207422, ClinGen allele CA8242194.
Genomic context (GRCh38, chr16:89,282,374, plus strand): 5'-CTTTCATGTTGTAAGAAACTCCGTAAGCATCCGCCTCCAGGAAGTCCTTTTCGTACTGGC[C>T]GGAGTCCTTCCTGCTACCGCCCTCCTTGTAATCTTCGCCCTTCTCTTTCTTCTCGGCCTT-3'
Protein context (NP_037407.4, residues 1380-1400): YKEGGSRKDS[Gly1390Ser]QYEKDFLEAD